The following is an entry in ClinVar:

NM_005609.4(PYGM):c.1627A>T (p.Lys543Ter)

Gene: PYGM (glycogen phosphorylase, muscle associated; minus strand). Cytogenetic location: 11q13.1.
Variant type: single nucleotide variant.
Coding change: c.1627A>T on transcript NM_005609.4 (MANE Select); coding-DNA position 1627, A replaced by T.
Protein change: p.Lys543Ter; replaces lysine 543 with a stop codon.
Molecular consequence: nonsense.
Genome position (GRCh38, 1-based): chr11:64,752,065, T>A on the plus strand (A>T on the coding strand, the complement: PYGM is on the minus strand). VCF-style: chr11-64752065-T-A. GRCh37 (hg19) VCF-style: chr11-64519537-T-A.
Other names: c.1363A>T, p.Lys455Ter (NM_001164716.1); short protein forms K455*, K543*.
Identifiers: ClinVar variation 5011670 (VCV005011670.1).

ClinVar aggregate classification (germline): Pathogenic (1 of 4 stars; one submission).

Conditions:
Glycogen storage disease, type V (GSD5). Also called: MCARDLE DISEASE; MUSCLE GLYCOGEN PHOSPHORYLASE DEFICIENCY; MYOPHOSPHORYLASE DEFICIENCY; PYGM DEFICIENCY; McArdle type glycogen storage disease. Identifiers: Orphanet 368, MedGen C0017924, MONDO:0009293, OMIM 232600.

Submission:

Myriad Genetics, Inc.
Classification: Pathogenic for Glycogen storage disease, type V. Last evaluated: 2024-07-02. Review status: criteria provided, single submitter. Criteria: Myriad Autosomal Dominant, Autosomal Recessive and X-Linked Classification Criteria (2023). Collection method: clinical testing. Allele origin: unknown.
Comment: NM_005609.2(PYGM):c.1627A>T(K543*) is expected to be pathogenic in the context of glycogen storage disease, PYGM-related. This variant is predicted to lead to an abnormal or absent protein product due to the creation of a premature termination codon in PYGM, a gene where loss-of-function variants are known to be pathogenic. Please note: this variant was assessed in the context of healthy population screening.